The following is an entry in ClinVar:

ClinVar aggregate classification (germline): Uncertain significance (1 of 4 stars; one submission).

gnomAD v4.1: 18 of 1,614,198 alleles (0.0011%); highest among the groups gnomAD compares: Non-Finnish European, 0.0014%; no homozygotes.

Submission:

Labcorp Genetics (formerly Invitae), Labcorp
Classification: Uncertain significance. Last evaluated: 2025-06-13. Review status: criteria provided, single submitter. Criteria: Invitae Variant Classification Sherloc (09022015). Collection method: clinical testing. Allele origin: germline.
Comment: This sequence change replaces valine, which is neutral and non-polar, with methionine, which is neutral and non-polar, at codon 557 of the TECTA protein (p.Val557Met). This variant is present in population databases (rs764014401, gnomAD 0.002%). This variant has not been reported in the literature in individuals affected with TECTA-related conditions. Invitae Evidence Modeling of protein sequence and biophysical properties (such as structural, functional, and spatial information, amino acid conservation, physicochemical variation, residue mobility, and thermodynamic stability) indicates that this missense variant is not expected to disrupt TECTA protein function with a negative predictive value of 95%. In summary, the available evidence is currently insufficient to determine the role of this variant in disease. Therefore, it has been classified as a Variant of Uncertain Significance.

NM_005422.4(TECTA):c.1669G>A (p.Val557Met)

Genes: TBCEL-TECTA (TBCEL-TECTA readthrough; plus strand), TECTA (tectorin alpha; plus strand). Cytogenetic location: 11q23.3.
Variant type: single nucleotide variant.
Coding change: c.1669G>A on transcript NM_005422.4 (MANE Select); coding-DNA position 1669, G replaced by A.
Protein change: p.Val557Met; replaces valine 557 with methionine.
Molecular consequence: missense variant.
Genome position (GRCh38, 1-based): chr11:121,125,767, G>A. VCF-style: chr11-121125767-G-A. GRCh37 (hg19) VCF-style: chr11-120996476-G-A.
Other names: c.2626G>A, p.Val876Met (NM_001378761.1); short protein forms V876M, V557M.
Identifiers: ClinVar variation 4699400 (VCV004699400.1).